The following is an entry in ClinVar:

ClinVar aggregate classification (germline): Conflicting classifications of pathogenicity. Review status: criteria provided, conflicting classifications (1 of 4 stars). 5 submissions from 5 submitters: Uncertain significance (4); Likely benign (1). Last evaluated 2025-12-09.

Conditions:
Autosomal recessive spinocerebellar ataxia 15. Also called: SALIH ATAXIA. Identifiers: Orphanet 404499, MedGen C3810326, MONDO:0014311, OMIM 615705.

Allele frequency attached by ClinVar (database versions not stated): TOPMed 0.00030; ExAC 0.00031; gnomAD 0.00038; gnomAD exomes 0.00049; ESP Exome Variant Server 0.00072.
gnomAD v4.1: 768 of 1,614,060 alleles (0.048%); highest among the groups gnomAD compares: Non-Finnish European, 0.057%; 2 homozygotes.

Submissions (5):

Women's Health and Genetics/Laboratory Corporation of America, LabCorp
Classification: Uncertain significance. Last evaluated: 2025-12-09. Review status: criteria provided, single submitter. Criteria: LabCorp Variant Classification Summary - May 2015. Collection method: clinical testing. Allele origin: germline.
Comment: Variant summary: RUBCN c.2284G>T (p.Val762Phe) results in a non-conservative amino acid change in the encoded protein sequence. Algorithms developed to predict the effect of missense changes on protein structure and function are either unavailable or do not agree on the potential impact of this missense change. The variant allele was found at a frequency of 0.00035 in 249576 control chromosomes. This frequency is not significantly higher than estimated for disease-causing variants in RUBCN, allowing no conclusion about variant significance. To our knowledge, no occurrence of c.2284G>T in individuals affected with RUBCN-related conditions and no experimental evidence demonstrating its impact on protein function have been reported. ClinVar contains an entry for this variant (Variation ID: 2251002). Based on the evidence outlined above, the variant was classified as uncertain significance.

Ambry Genetics
Classification: Uncertain significance. Last evaluated: 2025-02-18. Review status: criteria provided, single submitter. Criteria: Ambry Variant Classification Scheme 2023. Collection method: clinical testing. Allele origin: germline.

Blueprint Genetics
Classification: Uncertain significance. Last evaluated: 2024-11-06. Review status: criteria provided, single submitter. Criteria: ACMG Guidelines, 2015. Collection method: clinical testing. Allele origin: germline.

CeGaT Center for Human Genetics Tuebingen
Classification: Likely benign. Last evaluated: 2024-08-01. Review status: criteria provided, single submitter. Criteria: CeGaT Center For Human Genetics Tuebingen Variant Classification Criteria Version 2. Collection method: clinical testing. Allele origin: germline. Affected: yes. Observed: 2 variant alleles.
Comment: RUBCN: BP4, BS2

Revvity Omics, Revvity
Classification: Uncertain significance for Autosomal recessive spinocerebellar ataxia 15. Last evaluated: 2022-04-12. Review status: criteria provided, single submitter. Criteria: ACMG Guidelines, 2015. Collection method: clinical testing. Allele origin: germline.

NM_014687.4(RUBCN):c.2284G>T (p.Val762Phe)

Gene: RUBCN (rubicon autophagy regulator; minus strand). Cytogenetic location: 3q29.
Variant type: single nucleotide variant.
Coding change: c.2284G>T on transcript NM_014687.4 (MANE Select); coding-DNA position 2284, G replaced by T.
Protein change: p.Val762Phe; replaces valine 762 with phenylalanine.
Molecular consequence: missense variant.
Genome position (GRCh38, 1-based): chr3:197,681,275, C>A on the plus strand (G>T on the coding strand, the complement: RUBCN is on the minus strand). VCF-style: chr3-197681275-C-A. GRCh37 (hg19) VCF-style: chr3-197408146-C-A.
Other names: c.2149G>T (NM_001145642.4); c.2149G>T, p.Val717Phe (NM_001145642.5); c.2401G>T, p.Val801Phe (NM_001346873.2); short protein forms V762F, V717F, V801F.
Identifiers: ClinVar variation 2251002 (VCV002251002.33), dbSNP rs201413387, ClinGen allele CA2786624.